The following is an entry in ClinVar:

ClinVar aggregate classification (germline): Uncertain significance. Review status: criteria provided, multiple submitters, no conflicts (2 of 4 stars). 3 submissions from 3 submitters: Uncertain significance (3). Last evaluated 2025-04-13.

Conditions:
Hereditary cancer-predisposing syndrome. Also called: Hereditary neoplastic syndrome; Neoplastic Syndromes, Hereditary; Tumor predisposition; Hereditary Cancer Syndrome. Identifiers: Orphanet 140162, MedGen C0027672, MeSH D009386, MONDO:0015356.
Ataxia-telangiectasia syndrome (AT). Also called: Ataxia telangiectasia (A-T); LOUIS-BAR SYNDROME; Cerebello-oculocutaneous telangiectasia; Immunodeficiency with ataxia telangiectasia; Ataxia-telangiectasia, complementation group D; AT, COMPLEMENTATION GROUP C. Identifiers: Orphanet 100, MedGen C0004135, MONDO:0008840, OMIM 208900.

Submissions (3):

Labcorp Genetics (formerly Invitae), Labcorp
Classification: Uncertain significance for Ataxia-telangiectasia syndrome. Last evaluated: 2025-04-13. Review status: criteria provided, single submitter. Criteria: Invitae Variant Classification Sherloc (09022015). Collection method: clinical testing. Allele origin: germline.
Comment: This sequence change replaces leucine, which is neutral and non-polar, with phenylalanine, which is neutral and non-polar, at codon 442 of the ATM protein (p.Leu442Phe). This variant is not present in population databases (gnomAD no frequency). This variant has not been reported in the literature in individuals affected with ATM-related conditions. ClinVar contains an entry for this variant (Variation ID: 407516). Invitae Evidence Modeling of protein sequence and biophysical properties (such as structural, functional, and spatial information, amino acid conservation, physicochemical variation, residue mobility, and thermodynamic stability) indicates that this missense variant is not expected to disrupt ATM protein function with a negative predictive value of 95%. In summary, the available evidence is currently insufficient to determine the role of this variant in disease. Therefore, it has been classified as a Variant of Uncertain Significance.

Color Diagnostics, LLC DBA Color Health
Classification: Uncertain significance for Hereditary cancer-predisposing syndrome. Last evaluated: 2024-03-06. Review status: criteria provided, single submitter. Criteria: ACMG Guidelines, 2015. Collection method: clinical testing. Allele origin: germline.
Comment: This missense variant replaces leucine with phenylalanine at codon 442 of the ATM protein. Computational prediction suggests that this variant may not impact protein structure and function (internally defined REVEL score threshold <= 0.5, PMID: 27666373). To our knowledge, functional studies have not been reported for this variant. This variant has not been reported in individuals affected with hereditary cancer in the literature. This variant has not been identified in the general population by the Genome Aggregation Database (gnomAD). The available evidence is insufficient to determine the role of this variant in disease conclusively. Therefore, this variant is classified as a Variant of Uncertain Significance.

Ambry Genetics
Classification: Uncertain significance for Hereditary cancer-predisposing syndrome. Last evaluated: 2023-09-25. Review status: criteria provided, single submitter. Criteria: Ambry Variant Classification Scheme 2023. Collection method: clinical testing. Allele origin: germline.
Comment: The p.L442F variant (also known as c.1324C>T), located in coding exon 9 of the ATM gene, results from a C to T substitution at nucleotide position 1324. The leucine at codon 442 is replaced by phenylalanine, an amino acid with highly similar properties. This amino acid position is highly conserved in available vertebrate species. In addition, the in silico prediction for this alteration is inconclusive. Since supporting evidence is limited at this time, the clinical significance of this alteration remains unclear.

NM_000051.4(ATM):c.1324C>T (p.Leu442Phe)

Gene: ATM (ATM serine/threonine kinase; plus strand). Cytogenetic location: 11q22.3.
Variant type: single nucleotide variant.
Coding change: c.1324C>T on transcript NM_000051.4 (MANE Select); coding-DNA position 1324, C replaced by T.
Protein change: p.Leu442Phe; replaces leucine 442 with phenylalanine.
Molecular consequence: missense variant.
Genome position (GRCh38, 1-based): chr11:108,250,789, C>T. VCF-style: chr11-108250789-C-T. GRCh37 (hg19) VCF-style: chr11-108121516-C-T.
Other names: c.1324C>T, p.Leu442Phe (NM_001351834.2); short protein forms L442F.
Identifiers: ClinVar variation 407516 (VCV000407516.19), dbSNP rs1060501574, ClinGen allele CA16613062.